The following is an entry in ClinVar:

NM_000142.5(FGFR3):c.445+6A>G

Gene: FGFR3 (fibroblast growth factor receptor 3; plus strand). Cytogenetic location: 4p16.3.
Variant type: single nucleotide variant.
Coding change: c.445+6A>G on transcript NM_000142.5 (MANE Select); 6 bases into the intron after coding-DNA position 445, A replaced by G.
Molecular consequence: intron variant.
Genome position (GRCh38, 1-based): chr4:1,799,818, A>G. VCF-style: chr4-1799818-A-G. GRCh37 (hg19) VCF-style: chr4-1801545-A-G.
Other names: c.445+6A>G (NM_001163213.2, NM_001354809.2, NM_001354810.2 and 1 more transcripts).
Identifiers: ClinVar variation 2856308 (VCV002856308.3), dbSNP rs759269326, ClinGen allele CA2809823.
Genomic context (GRCh38, chr4:1,799,818, plus strand): 5'-TCGGGAGATGACGAAGACGGGGAGGACGAGGCTGAGGACACAGGTGTGGACACAGGTAGG[A>G]GCAGGGTCCAGGGTTCAGGCCAGCCGGGGTGGGGCCCGCTGCCACCGCCAAGCCCTGCCC-3'

ClinVar aggregate classification (germline): Uncertain significance (1 of 4 stars; one submission).

Allele frequency attached by ClinVar (database versions not stated): gnomAD exomes below 0.00001; ExAC 0.00001.
gnomAD v4.1: 1 of 1,612,628 alleles (0.000062%); highest among the groups gnomAD compares: South Asian, 0.0011%; no homozygotes.

Submission:

Labcorp Genetics (formerly Invitae), Labcorp
Classification: Uncertain significance. Last evaluated: 2023-04-14. Review status: criteria provided, single submitter. Criteria: Invitae Variant Classification Sherloc (09022015). Collection method: clinical testing. Allele origin: germline.
Comment: In summary, the available evidence is currently insufficient to determine the role of this variant in disease. Therefore, it has been classified as a Variant of Uncertain Significance. Variants that disrupt the consensus splice site are a relatively common cause of aberrant splicing (PMID: 17576681, 9536098). Algorithms developed to predict the effect of sequence changes on RNA splicing suggest that this variant is not likely to affect RNA splicing. This variant is present in population databases (rs759269326, gnomAD 0.003%). This sequence change falls in intron 4 of the FGFR3 gene. It does not directly change the encoded amino acid sequence of the FGFR3 protein. It affects a nucleotide within the consensus splice site. This variant has not been reported in the literature in individuals affected with FGFR3-related conditions.

Literature cited by the submitters: PubMed 17576681; PubMed 9536098.